The following is an entry in ClinVar:

NM_001165963.4(SCN1A):c.4002+2347T>A

Genes: SCN1A (sodium voltage-gated channel alpha subunit 1; minus strand), LOC102724058 (uncharacterized LOC102724058; plus strand). Cytogenetic location: 2q24.3.
Variant type: single nucleotide variant.
Coding change: c.4002+2347T>A on transcript NM_001165963.4 (MANE Select); 2347 bases into the intron after coding-DNA position 4002, T replaced by A.
Molecular consequence: intron variant.
Genome position (GRCh38, 1-based): chr2:166,007,372, A>T on the plus strand (T>A on the coding strand, the complement: SCN1A is on the minus strand). VCF-style: chr2-166007372-A-T. GRCh37 (hg19) VCF-style: chr2-166863882-A-T.
Other names: c.3969+2347T>A (NM_001353949.2, NM_001353950.2, NM_001353951.2 and 2 more transcripts); c.3918+2347T>A (NM_001353958.2, NM_001353957.2, NM_001165964.3); c.4002+2347T>A (NM_001202435.3, NM_001353948.2); c.3966+2347T>A (NM_001353955.2, NM_001353954.2); c.3915+2347T>A (NM_001353960.2); c.1560+2347T>A (NM_001353961.2).
Identifiers: ClinVar variation 4803460 (VCV004803460.1).

ClinVar aggregate classification (germline): Uncertain significance (1 of 4 stars; one submission).

Conditions:
Early-infantile DEE. Also called: Early infantile epileptic encephalopathy; Early infantile epileptic encephalopathy with suppression bursts; Ohtahara syndrome. Identifiers: Orphanet 1934, MedGen C0393706, MONDO:0800491.

gnomAD v4.1: 1 of 151,280 alleles (0.00066%); highest among the groups gnomAD compares: Non-Finnish European, 0.0015%; no homozygotes.

Submission:

Labcorp Genetics (formerly Invitae), Labcorp
Classification: Uncertain significance for Early-infantile DEE. Last evaluated: 2025-06-22. Review status: criteria provided, single submitter. Criteria: Invitae Variant Classification Sherloc (09022015). Collection method: clinical testing. Allele origin: germline.
Comment: This sequence change falls in intron 20 of the SCN1A gene. It does not directly change the encoded amino acid sequence of the SCN1A protein. However, this sequence change falls within a region encompassing a cryptic exon in the SCN1A gene, in which variants have been shown to alter splicing (PMID: 30526861, 34107977). This variant is not present in population databases (gnomAD no frequency). This variant has been observed in individual(s) with clinical features of SCN1A-related conditions (internal data). Algorithms developed to predict the effect of sequence changes on RNA splicing suggest that this variant is not likely to affect RNA splicing. In summary, the available evidence is currently insufficient to determine the role of this variant in disease. Therefore, it has been classified as a Variant of Uncertain Significance.

Literature cited by the submitters: PubMed 30526861; PubMed 34107977.